The following is an entry in ClinVar:

Conditions:
Long QT syndrome 5 (LQT5). Identifiers: Orphanet 101016, Orphanet 768, MedGen C1867904, MONDO:0013372, OMIM 613695.

Submission:

Roden Lab, Vanderbilt University Medical Center
No classification provided (evidence only). Condition: Long QT syndrome 5. Review status: no classification provided. Collection method: in vitro. Allele origin: not applicable. Functional consequence: Effect on ion channel function.
ClinVar note: "not provided" was previously submitted as the classification for the variant. However, the classification appeared to be based only on an observation of functional data so it was converted to no classification on 2025-07-30.

NM_000219.6(KCNE1):c.310A>T (p.Arg104Trp)

Gene: KCNE1 (potassium voltage-gated channel subfamily E regulatory subunit 1; minus strand). Cytogenetic location: 21q22.12.
Variant type: single nucleotide variant.
Coding change: c.310A>T on transcript NM_000219.6 (MANE Select); coding-DNA position 310, A replaced by T.
Protein change: p.Arg104Trp; replaces arginine 104 with tryptophan.
Molecular consequence: missense variant.
Genome position (GRCh38, 1-based): chr21:34,449,325, T>A on the plus strand (A>T on the coding strand, the complement: KCNE1 is on the minus strand). VCF-style: chr21-34449325-T-A. GRCh37 (hg19) VCF-style: chr21-35821623-T-A.
Other names: c.310A>T, p.Arg104Trp (NM_001127668.4, NM_001127669.4, NM_001127670.4 and 4 more transcripts); short protein forms R104W.
Identifiers: ClinVar variation 3374604 (VCV003374604.2).